The following is an entry in ClinVar:

NM_000094.4(COL7A1):c.7594C>T (p.Arg2532Trp)

Gene: COL7A1 (collagen type VII alpha 1 chain; minus strand). Cytogenetic location: 3p21.31.
Variant type: single nucleotide variant.
Coding change: c.7594C>T on transcript NM_000094.4 (MANE Select); coding-DNA position 7594, C replaced by T.
Protein change: p.Arg2532Trp; replaces arginine 2532 with tryptophan.
Molecular consequence: missense variant.
Genome position (GRCh38, 1-based): chr3:48,569,612, G>A on the plus strand (C>T on the coding strand, the complement: COL7A1 is on the minus strand). VCF-style: chr3-48569612-G-A. GRCh37 (hg19) VCF-style: chr3-48607045-G-A.
Other names: short protein forms R2532W.
Identifiers: ClinVar variation 2146602 (VCV002146602.2), dbSNP rs149574155, ClinGen allele CA2378410.
Genomic context (GRCh38, chr3:48,569,612, plus strand): 5'-GCACCCAGGGGAGACCCAGTCCACACGTGGGCCCACTCACCATGTCCCCCTTGGCACCCC[G>A]TGGGCCTGGAGGCCCCAGGATCACAGCTGAGTCTCCCTGAGGGGGCAGGCAGGAATCAGA-3'
Protein context (NP_000085.1, residues 2522-2542): SAVILGPPGP[Arg2532Trp]GAKGDMGERG

ClinVar aggregate classification (germline): Uncertain significance. Review status: criteria provided, multiple submitters, no conflicts (2 of 4 stars). 2 submissions from 2 submitters: Uncertain significance (2). Last evaluated 2025-08-09.

Conditions:
Inborn genetic diseases. Identifiers: MedGen C0950123, MeSH D030342.

Allele frequency attached by ClinVar (database versions not stated): ExAC 0.00001; TOPMed 0.00001; ESP Exome Variant Server 0.00008.
gnomAD v4.1: 10 of 1,613,768 alleles (0.00062%); highest among the groups gnomAD compares: Non-Finnish European, 0.00076%; no homozygotes.

Submissions (2):

Ambry Genetics
Classification: Uncertain significance for Inborn genetic diseases. Last evaluated: 2025-08-09. Review status: criteria provided, single submitter. Criteria: Ambry Variant Classification Scheme 2023. Collection method: clinical testing. Allele origin: germline.

Labcorp Genetics (formerly Invitae), Labcorp
Classification: Uncertain significance. Last evaluated: 2022-07-06. Review status: criteria provided, single submitter. Criteria: Invitae Variant Classification Sherloc (09022015). Collection method: clinical testing. Allele origin: germline.
Comment: This sequence change replaces arginine, which is basic and polar, with tryptophan, which is neutral and slightly polar, at codon 2532 of the COL7A1 protein (p.Arg2532Trp). This variant is present in population databases (rs149574155, gnomAD 0.0009%). This variant has not been reported in the literature in individuals affected with COL7A1-related conditions. Advanced modeling of protein sequence and biophysical properties (such as structural, functional, and spatial information, amino acid conservation, physicochemical variation, residue mobility, and thermodynamic stability) performed at Invitae indicates that this missense variant is not expected to disrupt COL7A1 protein function. In summary, the available evidence is currently insufficient to determine the role of this variant in disease. Therefore, it has been classified as a Variant of Uncertain Significance.